The following is an entry in ClinVar:

ClinVar aggregate classification (germline): Uncertain significance. Review status: criteria provided, multiple submitters, no conflicts (2 of 4 stars). 3 submissions from 3 submitters: Uncertain significance (3). Last evaluated 2026-01-23.

Conditions:
Hereditary cancer-predisposing syndrome. Also called: Neoplastic Syndromes, Hereditary; Tumor predisposition; Hereditary Cancer Syndrome; Hereditary neoplastic syndrome. Identifiers: Orphanet 140162, MedGen C0027672, MeSH D009386, MONDO:0015356.

Submissions (3):

Ambry Genetics
Classification: Uncertain significance for Hereditary cancer-predisposing syndrome. Last evaluated: 2026-01-23. Review status: criteria provided, single submitter. Criteria: Ambry Variant Classification Scheme 2023. Collection method: clinical testing. Allele origin: germline.
Comment: The p.G502V variant (also known as c.1505G>T), located in coding exon 11 of the APC gene, results from a G to T substitution at nucleotide position 1505. The glycine at codon 502 is replaced by valine, an amino acid with dissimilar properties. This amino acid position is highly conserved in available vertebrate species. In addition, in silico predictors for this gene do not accurately predict pathogenicity. Missense variants in APC are not a common cause of disease (Spier I et al. Genet Med. 2024 Feb;26(2):100992). Based on the available evidence, the clinical significance of this variant remains unclear.

Women's Health and Genetics/Laboratory Corporation of America, LabCorp
Classification: Uncertain significance. Last evaluated: 2024-01-29. Review status: criteria provided, single submitter. Criteria: LabCorp Variant Classification Summary - May 2015. Collection method: clinical testing. Allele origin: germline.
Comment: Variant summary: APC c.1505G>T (p.Gly502Val) results in a non-conservative amino acid change in the encoded protein sequence. Four of five in-silico tools predict a damaging effect of the variant on protein function. The variant was absent in 251316 control chromosomes. The available data on variant occurrences in the general population are insufficient to allow any conclusion about variant significance. To our knowledge, c.1505G>T has not been reported in the literature in individuals affected with Familial Adenomatous Polyposis and no experimental evidence demonstrating an impact on protein function has been reported. The following publication have been ascertained in the context of this evaluation (PMID: 29525529). ClinVar contains an entry for this variant (Variation ID: 2498011). Based on the evidence outlined above, the variant was classified as uncertain significance.

GeneDx
Classification: Uncertain significance. Last evaluated: 2022-10-04. Review status: criteria provided, single submitter. Criteria: GeneDx Variant Classification Process June 2021. Collection method: clinical testing. Allele origin: germline. Affected: yes.
Comment: Not observed at significant frequency in large population cohorts (gnomAD); In silico analysis supports that this missense variant has a deleterious effect on protein structure/function; Has not been previously published as pathogenic or benign to our knowledge; This variant is associated with the following publications: (PMID: 18199528)

Literature cited by the submitters: PubMed 29525529 (cited by Women's Health and Genetics/Laboratory Corporation of America, LabCorp).

NM_000038.6(APC):c.1505G>T (p.Gly502Val)

Gene: APC (APC regulator of Wnt signaling pathway; plus strand). Cytogenetic location: 5q22.2.
Variant type: single nucleotide variant.
Coding change: c.1505G>T on transcript NM_000038.6 (MANE Select); coding-DNA position 1505, G replaced by T.
Protein change: p.Gly502Val; replaces glycine 502 with valine.
Molecular consequence: missense variant.
Genome position (GRCh38, 1-based): chr5:112,827,204, G>T. VCF-style: chr5-112827204-G-T. GRCh37 (hg19) VCF-style: chr5-112162901-G-T.
Other names: c.1505G>T, p.Gly502Val (NM_001127510.3, NM_001354895.2, NM_001407450.1); c.1451G>T, p.Gly484Val (NM_001127511.3); c.1559G>T, p.Gly520Val (NM_001354896.2, NM_001407447.1, NM_001407448.1 and 1 more transcripts); c.1535G>T, p.Gly512Val (NM_001354897.2); c.1484G>T, p.Gly495Val (NM_001407451.1); c.1475G>T, p.Gly492Val (NM_001407452.1); c.1328G>T, p.Gly443Val (NM_001407453.1, NM_001354901.2); c.1256G>T, p.Gly419Val (NM_001407454.1, NM_001407455.1, NM_001407456.1 and 1 more transcripts); and 11 more; short protein forms G118V, G219V, G342V, G373V, G376V, G401V, G411V, G419V.
Identifiers: ClinVar variation 2498011 (VCV002498011.3), dbSNP rs1554081732, ClinGen allele CA16024597.